The following is an entry in ClinVar:

NM_004525.3(LRP2):c.12966_12988+7dup

Gene: LRP2 (LDL receptor related protein 2; minus strand). Cytogenetic location: 2q31.1.
Variant type: Duplication.
Coding change: c.12966_12988+7dup on transcript NM_004525.3 (MANE Select); coding-DNA position 12966 through 7 bases into the intron after coding-DNA position 12988, 30 bases duplicated (TCAACTCAGATACAATAAGTCAGGTAATCA).
Molecular consequence: splice donor variant.
Genome position (GRCh38, 1-based): chr2:169,145,740-169,145,769, TGATTACCTGACTTATTGTATCTGAGTTGA duplicated on the plus strand (TCAACTCAGATACAATAAGTCAGGTAATCA on the coding strand, the reverse complement: LRP2 is on the minus strand); duplicating any 30 consecutive bases within chr2:169,145,740-169,145,772 gives the same sequence; the c. name uses the placement nearest the transcript's 3' end. VCF-style (leftmost placement, unchanged base first): chr2-169145739-G-GTGATTACCTGACTTATTGTATCTGAGTTGA. GRCh37 (hg19) VCF-style: chr2-170002249-G-GTGATTACCTGACTTATTGTATCTGAGTTGA.
Identifiers: ClinVar variation 1470257 (VCV001470257.8), dbSNP rs2105347045, ClinGen allele CA2573133592.

ClinVar aggregate classification (germline): Uncertain significance (1 of 4 stars; one submission).

Submission:

Labcorp Genetics (formerly Invitae), Labcorp
Classification: Uncertain significance. Last evaluated: 2022-11-22. Review status: criteria provided, single submitter. Criteria: Invitae Variant Classification Sherloc (09022015). Collection method: clinical testing. Allele origin: germline.
Comment: Algorithms developed to predict the effect of sequence changes on RNA splicing suggest that this variant may create or strengthen a splice site. ClinVar contains an entry for this variant (Variation ID: 1470257). This variant has not been reported in the literature in individuals affected with LRP2-related conditions. This variant is not present in population databases (gnomAD no frequency). This sequence change falls in intron 70 of the LRP2 gene. It does not directly change the encoded amino acid sequence of the LRP2 protein. In summary, the available evidence is currently insufficient to determine the role of this variant in disease. Therefore, it has been classified as a Variant of Uncertain Significance.